The following is an entry in ClinVar:

NM_001126108.2(SLC12A3):c.539C>A (p.Thr180Lys)

Gene: SLC12A3 (solute carrier family 12 member 3; plus strand). Cytogenetic location: 16q13.
Variant type: single nucleotide variant.
Coding change: c.539C>A on transcript NM_001126108.2 (MANE Select); coding-DNA position 539, C replaced by A.
Protein change: p.Thr180Lys; replaces threonine 180 with lysine.
Molecular consequence: missense variant.
Genome position (GRCh38, 1-based): chr16:56,869,762, C>A. VCF-style: chr16-56869762-C-A. GRCh37 (hg19) VCF-style: chr16-56903674-C-A.
Other names: c.539C>A, p.Thr180Lys (NM_000339.3); c.536C>A, p.Thr179Lys (NM_001126107.2); short protein forms T179K, T180K.
Identifiers: ClinVar variation 648571 (VCV000648571.31), dbSNP rs146158333, ClinGen allele CA8069091.

ClinVar aggregate classification (germline): Pathogenic/Likely pathogenic. Review status: criteria provided, multiple submitters, no conflicts (2 of 4 stars). 9 submissions from 9 submitters: Pathogenic (6); Likely pathogenic (3). Last evaluated 2026-01-26.

Conditions:
SLC12A3-related disorder. Also called: SLC12A3-related condition.
Familial hypokalemia-hypomagnesemia (GTLMNS). Also called: POTASSIUM AND MAGNESIUM DEPLETION; gitelman syndrome; HYPOMAGNESEMIA-HYPOKALEMIA, PRIMARY RENOTUBULAR, WITH HYPOCALCIURIA. Identifiers: Orphanet 358, MedGen C0268450, MONDO:0009904, OMIM 263800.

Allele frequency attached by ClinVar (database versions not stated): gnomAD 0.00003; TOPMed 0.00010; 1000 Genomes Project 30x 0.00109; 1000 Genomes Project 0.00140.
gnomAD v4.1: 363 of 1,614,170 alleles (0.022%); highest among the groups gnomAD compares: East Asian, 0.8%; 1 homozygote.

Submissions (9):

Labcorp Genetics (formerly Invitae), Labcorp
Classification: Pathogenic. Last evaluated: 2026-01-26. Review status: criteria provided, single submitter. Criteria: Invitae Variant Classification Sherloc (09022015). Collection method: clinical testing. Allele origin: germline.
Comment: This sequence change replaces threonine, which is neutral and polar, with lysine, which is basic and polar, at codon 180 of the SLC12A3 protein (p.Thr180Lys). This variant is present in population databases (rs146158333, gnomAD 0.4%). This missense change has been observed in individual(s) with Gitelman syndrome (PMID: 10616841, 21628937, 21757836, 26041598). In at least one individual the data is consistent with being in trans (on the opposite chromosome) from a pathogenic variant. It has also been observed to segregate with disease in related individuals. ClinVar contains an entry for this variant (Variation ID: 648571). Invitae Evidence Modeling of protein sequence and biophysical properties (such as structural, functional, and spatial information, amino acid conservation, physicochemical variation, residue mobility, and thermodynamic stability) has been performed for this missense variant. However, the output from this modeling did not meet the statistical confidence thresholds required to predict the impact of this variant on SLC12A3 protein function. For these reasons, this variant has been classified as Pathogenic.

Dasa
Classification: Pathogenic. Last evaluated: 2026-01-06. Review status: criteria provided, single submitter. Criteria: DASA Assertion Criteria. Collection method: clinical testing. Allele origin: germline.
Comment: NM_001126108.2(SLC12A3):c.539C>A (p.Thr180Lys) is a missense variant that results in the substitution of threonine with lysine. The affected residue or protein region has prior evidence supporting clinical relevance. Segregation evidence has been reported in affected families. This variant has been observed in affected individuals with related phenotype in a genotype context consistent with recessive disease (PMID: 33328404; PMID: 33348466; PMID: 31105122; PMID: 21628937). This variant has been recurrently observed in individuals with related phenotype (PMID: 33328404; PMID: 33348466; PMID: 31105122; PMID: 21628937). The variant is present at low frequency in population datasets. Based on the available data, this variant is classified as pathogenic.

Natera, Inc.
Classification: Pathogenic for Gitelman syndrome. Last evaluated: 2025-11-25. Review status: criteria provided, single submitter. Criteria: Natera Variant Classification Schema (03/2026). Collection method: clinical testing. Allele origin: germline.
Comment: The c.539C>A variant in SLC12A3 is a missense variant predicted to cause substitution of threonine to lysine at amino acid 180. This variant is rare in the general population with a frequency below the threshold expected for the associated phenotype(s). This variant has been observed in one or more individuals affected with the associated recessive disease, as either homozygous or compound heterozygous with a second variant (PMID: 30596175). Computational prediction algorithms indicate this variant is likely to affect gene or protein function. Given the available evidence, this variant is classified as Pathogenic.

3billion
Classification: Pathogenic for Familial hypokalemia-hypomagnesemia. Last evaluated: 2025-11-21. Review status: criteria provided, single submitter. Criteria: ACMG Guidelines, 2015. Collection method: clinical testing. Allele origin: germline. Affected: yes.
Comment: The variant is observed at an extremely low frequency in the gnomAD v4.1.0 dataset (total allele frequency: 0.022%). Predicted Consequence/Location: Missense variant In silico tool predictions suggest damaging effect of the variant on gene or gene product [3Cnet: 0.90 (> 0.75, sensitivity 0.96 and precision 0.92)]. The same nucleotide change resulting in the same amino acid change has been previously reported as pathogenic/likely pathogenic with strong evidence (ClinVar ID: VCV000648571 /PMID: 10616841 /3billion dataset). The variant has been reported to be in trans with a pathogenic variant as either compound heterozygous or homozygous in at least 2 similarly affected unrelated individuals (PMID: 21628937, 21757836, 26041598). The variant has been reported to co-segregate with the disease in at least one similarly affected relative/individual in the same family or similarly affected unrelated families (PMID: 10616841). Therefore, this variant is classified as Pathogenic according to the recommendation of ACMG/AMP guideline.

Women's Health and Genetics/Laboratory Corporation of America, LabCorp
Classification: Pathogenic for Familial hypokalemia-hypomagnesemia. Last evaluated: 2025-04-09. Review status: criteria provided, single submitter. Criteria: LabCorp Variant Classification Summary - May 2015. Collection method: clinical testing. Allele origin: germline.
Comment: Variant summary: SLC12A3 c.539C>A (p.Thr180Lys) results in a non-conservative amino acid change in the encoded protein sequence. Three of five in-silico tools predict a benign effect of the variant on protein function. The variant allele was found at a frequency of 0.00027 in 251392 control chromosomes, predominantly at a frequency of 0.0038 within the East Asian subpopulation in the gnomAD database. c.539C>A has been reported in the literature as a biallelic genotype in multiple individuals affected with Familial Hypokalemia-Hypomagnesemia (Gitelman syndrome), where it has been found to segregate within at least one affected family and has been found in trans with a pathogenic variant in at least one affected compound heterozygous individual (e.g. Monkawa_2000, Oba_2019, Zhang_2020). These data indicate that the variant is very likely to be associated with disease. The following publications have been ascertained in the context of this evaluation (PMID: 10616841, 32542819, 31105122). ClinVar contains an entry for this variant (Variation ID: 648571). Based on the evidence outlined above, the variant was classified as pathogenic

Blueprint Genetics
Classification: Likely pathogenic for SLC12A3-related disorders. Last evaluated: 2024-08-26. Review status: criteria provided, single submitter. Criteria: ACMG Guidelines, 2015. Collection method: clinical testing. Allele origin: germline. Affected: yes. Observed: 5 variant alleles.

Fulgent Genetics
Classification: Pathogenic for Familial hypokalemia-hypomagnesemia. Last evaluated: 2024-06-19. Review status: criteria provided, single submitter. Criteria: ACMG Guidelines, 2015. Collection method: clinical testing. Allele origin: germline.

Genome-Nilou Lab
Classification: Likely pathogenic for Familial hypokalemia-hypomagnesemia. Last evaluated: 2021-07-15. Review status: criteria provided, single submitter. Criteria: ACMG Guidelines, 2015. Collection method: clinical testing. Allele origin: germline. Affected: no.

Juno Genomics, Hangzhou Juno Genomics, Inc
Classification: Likely pathogenic for Familial hypokalemia-hypomagnesemia. Review status: criteria provided, single submitter. Criteria: ACMG Guidelines, 2015. Collection method: clinical testing. Allele origin: germline.
Comment: Multiple lines of computational evidence suggest no impact on gene or gene product.;For recessive disorders, detected in trans with a pathogenic variant.;Patient's phenotype or family history is highly specific for a disease with a single genetic etiology.;Co-segregation with disease in multiple affected family members.

Literature cited by the submitters: PubMed 10616841 (cited by 3 submitters); PubMed 21628937 (cited by 3 submitters); PubMed 21757836 (cited by Labcorp Genetics (formerly Invitae), Labcorp and 3billion); PubMed 26041598 (cited by Labcorp Genetics (formerly Invitae), Labcorp and 3billion); PubMed 33328404 (cited by Dasa); PubMed 33348466 (cited by Dasa); PubMed 31105122 (cited by Dasa and Women's Health and Genetics/Laboratory Corporation of America, LabCorp); PubMed 30596175 (cited by Natera, Inc.); PubMed 32542819 (cited by Women's Health and Genetics/Laboratory Corporation of America, LabCorp).